The following is an entry in ClinVar:

ClinVar aggregate classification (germline): Uncertain significance. Review status: criteria provided, multiple submitters, no conflicts (2 of 4 stars). 2 submissions from 2 submitters: Uncertain significance (2). Last evaluated 2023-06-10.

Allele frequency attached by ClinVar (database versions not stated): ExAC 0.00001; gnomAD 0.00001; TOPMed 0.00002.
gnomAD v4.1: 32 of 1,614,022 alleles (0.002%); highest among the groups gnomAD compares: Non-Finnish European, 0.0025%; no homozygotes.

Submissions (2):

Labcorp Genetics (formerly Invitae), Labcorp
Classification: Uncertain significance. Last evaluated: 2023-06-10. Review status: criteria provided, single submitter. Criteria: Invitae Variant Classification Sherloc (09022015). Collection method: clinical testing. Allele origin: germline.
Comment: This sequence change replaces threonine, which is neutral and polar, with isoleucine, which is neutral and non-polar, at codon 183 of the MARS2 protein (p.Thr183Ile). This variant is present in population databases (rs747061134, gnomAD 0.002%). This variant has not been reported in the literature in individuals affected with MARS2-related conditions. Advanced modeling of protein sequence and biophysical properties (such as structural, functional, and spatial information, amino acid conservation, physicochemical variation, residue mobility, and thermodynamic stability) performed at Invitae indicates that this missense variant is not expected to disrupt MARS2 protein function. In summary, the available evidence is currently insufficient to determine the role of this variant in disease. Therefore, it has been classified as a Variant of Uncertain Significance.

Blueprint Genetics
Classification: Uncertain significance. Last evaluated: 2022-07-26. Review status: criteria provided, single submitter. Criteria: ACMG Guidelines, 2015. Collection method: clinical testing. Allele origin: germline.

NM_138395.4(MARS2):c.548C>T (p.Thr183Ile)

Gene: MARS2 (methionyl-tRNA synthetase 2, mitochondrial; plus strand). Cytogenetic location: 2q33.1.
Variant type: single nucleotide variant.
Coding change: c.548C>T on transcript NM_138395.4 (MANE Select); coding-DNA position 548, C replaced by T.
Protein change: p.Thr183Ile; replaces threonine 183 with isoleucine.
Molecular consequence: missense variant.
Genome position (GRCh38, 1-based): chr2:197,705,953, C>T. VCF-style: chr2-197705953-C-T. GRCh37 (hg19) VCF-style: chr2-198570677-C-T.
Other names: short protein forms T183I.
Identifiers: ClinVar variation 2960973 (VCV002960973.4), dbSNP rs747061134, ClinGen allele CA2044600.